The following is an entry in ClinVar:

NM_004448.4(ERBB2):c.863G>A (p.Arg288Gln)

Gene: ERBB2 (erb-b2 receptor tyrosine kinase 2; plus strand). Cytogenetic location: 17q12.
Variant type: single nucleotide variant.
Coding change: c.863G>A on transcript NM_004448.4 (MANE Select); coding-DNA position 863, G replaced by A.
Protein change: p.Arg288Gln; replaces arginine 288 with glutamine.
Molecular consequence: missense variant. On other transcripts: non-coding transcript variant (1), intron variant (2).
Genome position (GRCh38, 1-based): chr17:39,710,443, G>A. VCF-style: chr17-39710443-G-A. GRCh37 (hg19) VCF-style: chr17-37866696-G-A.
Other names: c.773G>A, p.Arg258Gln (NM_001005862.3, NM_001289938.2, NM_001382782.1 and 1 more transcripts); c.818G>A, p.Arg273Gln (NM_001289936.2); c.863G>A, p.Arg288Gln (NM_001289937.2, NM_001382784.1, NM_001382785.1 and 16 more transcripts); c.938G>A, p.Arg313Gln (NM_001382787.1); c.854G>A, p.Arg285Gln (NM_001382791.1); c.683G>A, p.Arg228Gln (NM_001382799.1); c.643+562G>A (NM_001382802.1); c.74-1485G>A (NM_001382804.1); short protein forms R285Q, R288Q, R228Q, R258Q, R273Q, R313Q.
Identifiers: ClinVar variation 1352851 (VCV001352851.8), dbSNP rs760205387, ClinGen allele CA8533747.

ClinVar aggregate classification (germline): Uncertain significance (1 of 4 stars; one submission).

Allele frequency attached by ClinVar (database versions not stated): gnomAD exomes 0.00008; ExAC 0.00009; gnomAD 0.00009 and 0.00007; TOPMed 0.00005.
gnomAD v4.1: 131 of 1,613,920 alleles (0.0081%); highest among the groups gnomAD compares: Non-Finnish European, 0.0093%; no homozygotes.

Submission:

Labcorp Genetics (formerly Invitae), Labcorp
Classification: Uncertain significance. Last evaluated: 2025-02-07. Review status: criteria provided, single submitter. Criteria: Invitae Variant Classification Sherloc (09022015). Collection method: clinical testing. Allele origin: germline.
Comment: This sequence change replaces arginine, which is basic and polar, with glutamine, which is neutral and polar, at codon 288 of the ERBB2 protein (p.Arg288Gln). This variant is present in population databases (rs760205387, gnomAD 0.01%). This variant has not been reported in the literature in individuals affected with ERBB2-related conditions. ClinVar contains an entry for this variant (Variation ID: 1352851). Invitae Evidence Modeling of protein sequence and biophysical properties (such as structural, functional, and spatial information, amino acid conservation, physicochemical variation, residue mobility, and thermodynamic stability) has been performed for this missense variant. However, the output from this modeling did not meet the statistical confidence thresholds required to predict the impact of this variant on ERBB2 protein function. In summary, the available evidence is currently insufficient to determine the role of this variant in disease. Therefore, it has been classified as a Variant of Uncertain Significance.